The following is an entry in ClinVar:

NM_015346.4(ZFYVE26):c.4789G>A (p.Ala1597Thr)

Gene: ZFYVE26 (zinc finger FYVE-type containing 26; minus strand). Cytogenetic location: 14q24.1.
Variant type: single nucleotide variant.
Coding change: c.4789G>A on transcript NM_015346.4 (MANE Select); coding-DNA position 4789, G replaced by A.
Protein change: p.Ala1597Thr; replaces alanine 1597 with threonine.
Molecular consequence: missense variant.
Genome position (GRCh38, 1-based): chr14:67,778,134, C>T on the plus strand (G>A on the coding strand, the complement: ZFYVE26 is on the minus strand). VCF-style: chr14-67778134-C-T. GRCh37 (hg19) VCF-style: chr14-68244851-C-T.
Other names: short protein forms A1597T.
Identifiers: ClinVar variation 2181557 (VCV002181557.1), dbSNP rs780519995, ClinGen allele CA390169001.

ClinVar aggregate classification (germline): Uncertain significance (1 of 4 stars; one submission).

Conditions:
Spastic paraplegia. Identifiers: MedGen C0037772, HP:0001258.

gnomAD v4.1: 5 of 1,614,148 alleles (0.00031%); highest among the groups gnomAD compares: South Asian, 0.0011%; no homozygotes.

Submission:

Labcorp Genetics (formerly Invitae), Labcorp
Classification: Uncertain significance for Spastic paraplegia. Last evaluated: 2022-04-09. Review status: criteria provided, single submitter. Criteria: Invitae Variant Classification Sherloc (09022015). Collection method: clinical testing. Allele origin: germline.
Comment: This sequence change replaces alanine, which is neutral and non-polar, with threonine, which is neutral and polar, at codon 1597 of the ZFYVE26 protein (p.Ala1597Thr). This variant is not present in population databases (gnomAD no frequency). This variant has not been reported in the literature in individuals affected with ZFYVE26-related conditions. Algorithms developed to predict the effect of missense changes on protein structure and function are either unavailable or do not agree on the potential impact of this missense change (SIFT: "Deleterious"; PolyPhen-2: "Possibly Damaging"; Align-GVGD: "Class C0"). In summary, the available evidence is currently insufficient to determine the role of this variant in disease. Therefore, it has been classified as a Variant of Uncertain Significance.